The following is an entry in ClinVar:

NM_004706.4(ARHGEF1):c.1098C>T (p.Thr366=)

Gene: ARHGEF1 (Rho guanine nucleotide exchange factor 1; plus strand). Cytogenetic location: 19q13.2.
Variant type: single nucleotide variant.
Coding change: c.1098C>T on transcript NM_004706.4 (MANE Select); coding-DNA position 1098, C replaced by T.
Protein change: p.Thr366=; no amino-acid change (threonine 366 retained).
Molecular consequence: synonymous variant. On other transcripts: non-coding transcript variant (2).
Genome position (GRCh38, 1-based): chr19:41,896,459, C>T. VCF-style: chr19-41896459-C-T. GRCh37 (hg19) VCF-style: chr19-42400532-C-T.
Other names: c.1098C>T, p.Thr366= (NM_001396000.1, NM_001396003.1, NM_001396006.1); c.999C>T, p.Thr333= (NM_001396002.1, NM_001396004.1, NM_198977.2); c.1143C>T, p.Thr381= (NM_199002.2); c.1143C>T (NM_199002.1).
Identifiers: ClinVar variation 2891111 (VCV002891111.5), dbSNP rs782740026, ClinGen allele CA9466188.

ClinVar aggregate classification (germline): Likely benign. Review status: criteria provided, single submitter (1 of 4 stars). 2 submissions from 2 submitters: Likely benign (1). 1 of the submissions does not count toward it. Last evaluated 2025-11-09.

Conditions:
ARHGEF1-related disorder. Also called: ARHGEF1-related condition.

Allele frequency attached by ClinVar (database versions not stated): gnomAD exomes 0.00004; TOPMed 0.00006; gnomAD 0.00005; ExAC 0.00008.
gnomAD v4.1: 59 of 1,487,274 alleles (0.004%); highest among the groups gnomAD compares: South Asian, 0.025%; no homozygotes.

Submissions (2):

Labcorp Genetics (formerly Invitae), Labcorp
Classification: Likely benign. Last evaluated: 2025-11-09. Review status: criteria provided, single submitter. Criteria: Invitae Variant Classification Sherloc (09022015). Collection method: clinical testing. Allele origin: germline.

PreventionGenetics, part of Exact Sciences
Classification: Likely benign for ARHGEF1-related condition. Last evaluated: 2019-11-12. Review status: no assertion criteria provided. Collection method: clinical testing. Allele origin: germline. Not counted in ClinVar's aggregate classification.
Comment: This variant is classified as likely benign based on ACMG/AMP sequence variant interpretation guidelines (Richards et al. 2015 PMID: 25741868, with internal and published modifications).